The following is an entry in ClinVar:

NM_052867.4(NALCN):c.2281C>T (p.Arg761Cys)

Gene: NALCN (sodium leak channel, non-selective; minus strand). Cytogenetic location: 13q33.1.
Variant type: single nucleotide variant.
Coding change: c.2281C>T on transcript NM_052867.4 (MANE Select); coding-DNA position 2281, C replaced by T.
Protein change: p.Arg761Cys; replaces arginine 761 with cysteine.
Molecular consequence: missense variant.
Genome position (GRCh38, 1-based): chr13:101,111,138, G>A on the plus strand (C>T on the coding strand, the complement: NALCN is on the minus strand). VCF-style: chr13-101111138-G-A. GRCh37 (hg19) VCF-style: chr13-101763489-G-A.
Other names: c.2368C>T, p.Arg790Cys (NM_001350748.2); c.2281C>T, p.Arg761Cys (NM_001350749.2); c.2194C>T, p.Arg732Cys (NM_001350750.2, NM_001350751.2); short protein forms R732C, R761C, R790C.
Identifiers: ClinVar variation 1326792 (VCV001326792.5), dbSNP rs1420619266, ClinGen allele CA388670920.

ClinVar aggregate classification (germline): Uncertain significance. Review status: criteria provided, multiple submitters, no conflicts (2 of 4 stars). 2 submissions from 2 submitters: Uncertain significance (2). Last evaluated 2024-09-06.

Allele frequency attached by ClinVar (database versions not stated): gnomAD exomes 0.00001.
gnomAD v4.1: 7 of 1,606,340 alleles (0.00044%); highest among the groups gnomAD compares: Middle Eastern, 0.017%; no homozygotes.

Submissions (2):

Labcorp Genetics (formerly Invitae), Labcorp
Classification: Uncertain significance. Last evaluated: 2024-09-06. Review status: criteria provided, single submitter. Criteria: Invitae Variant Classification Sherloc (09022015). Collection method: clinical testing. Allele origin: germline.
Comment: This sequence change replaces arginine, which is basic and polar, with cysteine, which is neutral and slightly polar, at codon 761 of the NALCN protein (p.Arg761Cys). The frequency data for this variant in the population databases is considered unreliable, as metrics indicate poor data quality at this position in the gnomAD database. This variant has not been reported in the literature in individuals affected with NALCN-related conditions. ClinVar contains an entry for this variant (Variation ID: 1326792). Invitae Evidence Modeling of protein sequence and biophysical properties (such as structural, functional, and spatial information, amino acid conservation, physicochemical variation, residue mobility, and thermodynamic stability) indicates that this missense variant is not expected to disrupt NALCN protein function with a negative predictive value of 80%. In summary, the available evidence is currently insufficient to determine the role of this variant in disease. Therefore, it has been classified as a Variant of Uncertain Significance.

GeneDx
Classification: Uncertain significance. Last evaluated: 2021-05-28. Review status: criteria provided, single submitter. Criteria: GeneDx Variant Classification Process June 2021. Collection method: clinical testing. Allele origin: germline. Affected: yes.
Comment: Not observed at significant frequency in large population cohorts (Lek et al., 2016); In silico analysis supports that this missense variant has a deleterious effect on protein structure/function; Has not been previously published as pathogenic or benign to our knowledge; This variant is associated with the following publications: (PMID: 27535533)